The following is an entry in ClinVar:

NM_001797.4(CDH11):c.855G>A (p.Glu285=)

Gene: CDH11 (cadherin 11; minus strand). Cytogenetic location: 16q21.
Variant type: single nucleotide variant.
Coding change: c.855G>A on transcript NM_001797.4 (MANE Select); coding-DNA position 855, G replaced by A.
Protein change: p.Glu285=; no amino-acid change (glutamic acid 285 retained).
Molecular consequence: synonymous variant.
Genome position (GRCh38, 1-based): chr16:64,988,301, C>T on the plus strand (G>A on the coding strand, the complement: CDH11 is on the minus strand). VCF-style: chr16-64988301-C-T. GRCh37 (hg19) VCF-style: chr16-65022204-C-T.
Other names: c.855G>A, p.Glu285= (NM_001308392.2); c.477G>A, p.Glu159= (NM_001330576.2); c.855G>A (NM_001797.3).
Identifiers: ClinVar variation 3388022 (VCV003388022.15).

ClinVar aggregate classification (germline): Likely benign. Review status: criteria provided, multiple submitters, no conflicts (2 of 4 stars). 2 submissions from 2 submitters: Likely benign (2). Last evaluated 2025-11-22.

Conditions:
CDH11-related disorder. Also called: CDH11-related condition.

gnomAD v4.1: 806 of 1,613,358 alleles (0.05%); highest among the groups gnomAD compares: Non-Finnish European, 0.047%; 2 homozygotes.

Submissions (2):

PreventionGenetics, part of Exact Sciences
Classification: Likely benign for CDH11-related condition. Last evaluated: 2025-11-22. Review status: criteria provided, single submitter. Criteria: ACMG Guidelines, 2015. Collection method: clinical testing. Allele origin: germline.
Comment: This variant is classified as likely benign based on ACMG/AMP sequence variant interpretation guidelines (Richards et al. 2015 PMID: 25741868, with internal and published modifications).

CeGaT Center for Human Genetics Tuebingen
Classification: Likely benign. Last evaluated: 2024-10-01. Review status: criteria provided, single submitter. Criteria: CeGaT Center For Human Genetics Tuebingen Variant Classification Criteria Version 2. Collection method: clinical testing. Allele origin: germline. Affected: yes. Observed: 1 variant allele.
Comment: CDH11: BP4, BP7